The following is an entry in ClinVar:

ClinVar aggregate classification (germline): Pathogenic (1 of 4 stars; one submission).

Submission:

Labcorp Genetics (formerly Invitae), Labcorp
Classification: Pathogenic. Last evaluated: 2023-11-08. Review status: criteria provided, single submitter. Criteria: Invitae Variant Classification Sherloc (09022015). Collection method: clinical testing. Allele origin: germline.
Comment: This sequence change creates a premature translational stop signal (p.Leu473Phefs*38) in the CAD gene. It is expected to result in an absent or disrupted protein product. Loss-of-function variants in CAD are known to be pathogenic (PMID: 28007989, 32117025, 32820246, 33497533). This variant is not present in population databases (gnomAD no frequency). This variant has not been reported in the literature in individuals affected with CAD-related conditions. For these reasons, this variant has been classified as Pathogenic.

Literature cited by the submitters: PubMed 28007989; PubMed 32117025; PubMed 32820246; PubMed 33497533.

NM_004341.5(CAD):c.1418dup (p.Leu473fs)

Gene: CAD (carbamoyl-phosphate synthetase 2, aspartate transcarbamylase, and dihydroorotase; plus strand). Cytogenetic location: 2p23.3.
Variant type: Duplication.
Coding change: c.1418dup on transcript NM_004341.5 (MANE Select); coding-DNA position 1418, one base duplicated (T; older notation c.1418dupT).
Protein change: p.Leu473fs; shifts the reading frame from leucine 473.
Molecular consequence: frameshift variant.
Genome position (GRCh38, 1-based): chr2:27,225,041, T duplicated; the last of 2 consecutive T bases (chr2:27,225,040-27,225,041); duplicating either gives the same sequence. VCF-style (leftmost placement, unchanged base first): chr2-27225039-G-GT. GRCh37 (hg19) VCF-style: chr2-27447907-G-GT.
Other names: c.1418dup, p.Leu473fs (NM_001306079.2); short protein forms L473fs.
Identifiers: ClinVar variation 2694304 (VCV002694304.3), dbSNP rs2465299251, ClinGen allele CA2697547900.